The following is an entry in ClinVar:

ClinVar aggregate classification (germline): Uncertain significance (1 of 4 stars; one submission).

Conditions:
Predisposition to invasive fungal disease due to CARD9 deficiency (IMD103). Also called: CARD9 IMMUNODEFICIENCY; Candidiasis, familial, 2, autosomal recessive; IMMUNODEFICIENCY 103, SUSCEPTIBILITY TO FUNGAL INFECTIONS. Identifiers: Orphanet 457088, MedGen C1859353, MONDO:0008905, OMIM 212050.

Allele frequency attached by ClinVar (database versions not stated): TOPMed 0.00001; ExAC 0.00004.

Submission:

Labcorp Genetics (formerly Invitae), Labcorp
Classification: Uncertain significance for Predisposition to invasive fungal disease due to CARD9 deficiency. Last evaluated: 2025-04-27. Review status: criteria provided, single submitter. Criteria: Invitae Variant Classification Sherloc (09022015). Collection method: clinical testing. Allele origin: germline.
Comment: This sequence change creates a premature translational stop signal (p.Trp515*) in the CARD9 gene. While this is not anticipated to result in nonsense mediated decay, it is expected to disrupt the last 22 amino acid(s) of the CARD9 protein. This variant is not present in population databases (gnomAD no frequency). This variant has not been reported in the literature in individuals affected with CARD9-related conditions. ClinVar contains an entry for this variant (Variation ID: 1345605). Experimental studies and prediction algorithms are not available or were not evaluated, and the functional significance of this variant is currently unknown. In summary, the available evidence is currently insufficient to determine the role of this variant in disease. Therefore, it has been classified as a Variant of Uncertain Significance.

NM_052813.5(CARD9):c.1545G>A (p.Trp515Ter)

Gene: CARD9 (caspase recruitment domain family member 9; minus strand). Cytogenetic location: 9q34.3.
Variant type: single nucleotide variant.
Coding change: c.1545G>A on transcript NM_052813.5 (MANE Select); coding-DNA position 1545, G replaced by A.
Protein change: p.Trp515Ter; replaces tryptophan 515 with a stop codon.
Molecular consequence: nonsense. On other transcripts: intron variant (1).
Genome position (GRCh38, 1-based): chr9:136,364,368, C>T on the plus strand (G>A on the coding strand, the complement: CARD9 is on the minus strand). VCF-style: chr9-136364368-C-T. GRCh37 (hg19) VCF-style: chr9-139258820-C-T.
Other names: c.1441+185G>A (NM_052814.4); short protein forms W515*.
Identifiers: ClinVar variation 1345605 (VCV001345605.5), dbSNP rs761418899, ClinGen allele CA5332585.